The following is an entry in ClinVar:

ClinVar aggregate classification (germline): Pathogenic (1 of 4 stars; one submission).

Conditions:
Leukocyte adhesion deficiency type II. Also called: CONGENITAL DISORDER OF GLYCOSYLATION, TYPE IIc; CDG IIc; Congenital disorder of glycosylation type 2C; CDG 2C; Leukocyte adhesion deficiency type 2; Rambam Hasharon syndrome. Identifiers: Orphanet 2968, Orphanet 99843, MedGen C0398739, MONDO:0009953, OMIM 266265.

Submission:

Labcorp Genetics (formerly Invitae), Labcorp
Classification: Pathogenic for Leukocyte adhesion deficiency type II. Last evaluated: 2019-12-04. Review status: criteria provided, single submitter. Criteria: Invitae Variant Classification Sherloc (09022015). Collection method: clinical testing. Allele origin: germline.
Comment: For these reasons, this variant has been classified as Pathogenic. Loss-of-function variants in SLC35C1 are known to be pathogenic (PMID: 16455955, 24403049). This variant has not been reported in the literature in individuals with SLC35C1-related conditions. This variant is not present in population databases (ExAC no frequency). This sequence change creates a premature translational stop signal (p.Val123Serfs*5) in the SLC35C1 gene. It is expected to result in an absent or disrupted protein product.

Literature cited by the submitters: PubMed 16455955; PubMed 24403049.

NM_018389.5(SLC35C1):c.367del (p.Val123fs)

Gene: SLC35C1 (solute carrier family 35 member C1; plus strand). Cytogenetic location: 11p11.2.
Variant type: Deletion.
Coding change: c.367del on transcript NM_018389.5 (MANE Select); coding-DNA position 367, one base deleted (G; older notation c.367delG).
Protein change: p.Val123fs; shifts the reading frame from valine 123.
Molecular consequence: frameshift variant.
Genome position (GRCh38, 1-based): chr11:45,806,168, G deleted; the last of 2 consecutive G bases (chr11:45,806,167-45,806,168); deleting either gives the same sequence. VCF-style (leftmost placement, unchanged base first): chr11-45806166-TG-T. GRCh37 (hg19) VCF-style: chr11-45827717-TG-T.
Other names: c.328del, p.Val110fs (NM_001145265.2); c.328delG, p.Val110Serfs (NM_001145266.2); c.367delG, p.Val123Serfs (NM_018389.4); short protein forms V110fs, V123fs.
Identifiers: ClinVar variation 836912 (VCV000836912.7), dbSNP rs2085872592, ClinGen allele CA916080423.